The following is an entry in ClinVar:

NM_053025.4(MYLK):c.3358_3359insCTCTGG (p.Gln1120delinsProLeuGlu)

Gene: MYLK (myosin light chain kinase; minus strand). Cytogenetic location: 3q21.1.
Variant type: Insertion.
Coding change: c.3358_3359insCTCTGG on transcript NM_053025.4 (MANE Select); coding-DNA positions 3358 to 3359, CTCTGG inserted.
Protein change: p.Gln1120delinsProLeuGlu.
Molecular consequence: inframe indel.
Genome position: GRCh38 VCF-style: chr3-123700109-T-TCCAGAG. GRCh37 (hg19) VCF-style: chr3-123418956-T-TCCAGAG.
Other names: c.2830_2831insCTCTGG, p.Gln944delinsProLeuGlu (NM_001321309.2); c.3151_3152insCTCTGG, p.Gln1051delinsProLeuGlu (NM_053026.4, NM_053028.4); c.3358_3359insCTCTGG, p.Gln1120delinsProLeuGlu (NM_053027.4).
Identifiers: ClinVar variation 4735742 (VCV004735742.1).

ClinVar aggregate classification (germline): Uncertain significance (1 of 4 stars; one submission).

Conditions:
Aortic aneurysm, familial thoracic 7 (AAT7). Also called: AORTIC DISSECTION, FAMILIAL, WITH OR WITHOUT AORTIC ANEURYSM. Identifiers: MedGen C3151077, MONDO:0013418, OMIM 613780.

Submission:

Labcorp Genetics (formerly Invitae), Labcorp
Classification: Uncertain significance for Aortic aneurysm, familial thoracic 7. Last evaluated: 2026-01-21. Review status: criteria provided, single submitter. Criteria: Invitae Variant Classification Sherloc (09022015). Collection method: clinical testing. Allele origin: germline.
Comment: This variant, c.3358_3359insCTCTGG, is a complex sequence change that results in the deletion of 1 and insertion of 3 amino acid(s) in the MYLK protein (p.Gln1120delinsProLeuGlu). This variant is not present in population databases (gnomAD no frequency). This variant has not been reported in the literature in individuals affected with MYLK-related conditions. Experimental studies and prediction algorithms are not available or were not evaluated, and the functional significance of this variant is currently unknown. In summary, the available evidence is currently insufficient to determine the role of this variant in disease. Therefore, it has been classified as a Variant of Uncertain Significance.